The following is an entry in ClinVar:

ClinVar aggregate classification (germline): Uncertain significance (1 of 4 stars; one submission).

Conditions:
Familial melanoma. Also called: Hereditary melanoma; Hereditary cutaneous melanoma. Identifiers: Orphanet 618, MedGen C1512419, MONDO:0018961.

Submission:

Labcorp Genetics (formerly Invitae), Labcorp
Classification: Uncertain significance for Familial melanoma. Last evaluated: 2021-04-16. Review status: criteria provided, single submitter. Criteria: Invitae Variant Classification Sherloc (09022015). Collection method: clinical testing. Allele origin: germline.
Comment: In summary, the available evidence is currently insufficient to determine the role of this variant in disease. Therefore, it has been classified as a Variant of Uncertain Significance. Experimental studies and prediction algorithms are not available or were not evaluated, and the functional significance of this variant is currently unknown. This variant has not been reported in the literature in individuals with CDKN2A (p16INK4a)-related conditions. This variant is not present in population databases (ExAC no frequency). This variant, c.95_112dup, results in the insertion of 6 amino acid(s) to the CDKN2A (p16INK4a) protein (p.Leu32_Leu37dup), but otherwise preserves the integrity of the reading frame.

NM_000077.5(CDKN2A):c.95_112dup (p.Leu37_Pro38insLeuGluAlaGlyAlaLeu)

Gene: CDKN2A (cyclin dependent kinase inhibitor 2A; minus strand). Cytogenetic location: 9p21.3.
Variant type: Duplication.
Coding change: c.95_112dup on transcript NM_000077.5; coding-DNA positions 95 to 112, 18 bases duplicated (TGGAGGCGGGGGCGCTGC).
Protein change: p.Leu37_Pro38insLeuGluAlaGlyAlaLeu.
Molecular consequence: inframe indel (on NM_000077.6). On other transcripts: inframe insertion (2), intron variant (2).
Genome position (GRCh38, 1-based): chr9:21,974,716-21,974,733, GCAGCGCCCCCGCCTCCA duplicated on the plus strand (TGGAGGCGGGGGCGCTGC on the coding strand, the reverse complement: CDKN2A is on the minus strand); duplicating any 18 consecutive bases within chr9:21,974,716-21,974,742 gives the same sequence; the c. name uses the placement nearest the transcript's 3' end. VCF-style (leftmost placement, unchanged base first): chr9-21974715-G-GGCAGCGCCCCCGCCTCCA. GRCh37 (hg19) VCF-style: chr9-21974714-G-GGCAGCGCCCCCGCCTCCA.
Other names: c.86_103dup, p.Leu37_Pro38insLeuGluAlaGlyAlaLeu (NM_000077.6); c.95_112dup, p.Leu37_Pro38insLeuGluAlaGlyAlaLeu (NM_001195132.2, NM_058197.5); c.-3-3525_-3-3508dup (NM_001363763.2); c.194-3525_194-3508dup (NM_058195.4).
Identifiers: ClinVar variation 1345924 (VCV001345924.8), dbSNP rs1819949737, ClinGen allele CA1839172979.
Genomic context (GRCh38, chr9:21,974,715, plus strand): 5'-CCCGCTGCAGACCCTCTACCCACCTGGATCGGCCTCCGACCGTAACTATTCGGTGCGTTG[G>GGCAGCGCCCCCGCCTCCA]GCAGCGCCCCCGCCTCCAGCAGCGCCCGCACCTCCTCTACCCGACCCCGGGCCGCGGCCG-3'